The following is an entry in ClinVar:

NM_001613.4(ACTA2):c.129+1G>A

Gene: ACTA2 (actin alpha 2, smooth muscle; minus strand). Cytogenetic location: 10q23.31.
Variant type: single nucleotide variant.
Coding change: c.129+1G>A on transcript NM_001613.4 (MANE Select); the canonical splice donor site of the intron after coding-DNA position 129, G replaced by A.
Molecular consequence: splice donor variant.
Genome position (GRCh38, 1-based): chr10:88,948,801, C>T on the plus strand (G>A on the coding strand, the complement: ACTA2 is on the minus strand). VCF-style: chr10-88948801-C-T. GRCh37 (hg19) VCF-style: chr10-90708558-C-T.
Other names: c.129+1G>A (NM_001406467.1, NM_001320855.2, NM_001406462.1 and 7 more transcripts).
Identifiers: ClinVar variation 3071413 (VCV003071413.2), dbSNP rs2494577855, ClinGen allele CA377513578.

ClinVar aggregate classification (germline): Uncertain significance. Review status: criteria provided, multiple submitters, no conflicts (2 of 4 stars). 2 submissions from 2 submitters: Uncertain significance (2). Last evaluated 2025-10-24.

Conditions:
Aortic aneurysm, familial thoracic 6 (AAT6). Also called: FAMILIAL THORACIC AORTIC ANEURYSM WITH LIVEDO RETICULARIS AND IRIS FLOCCULI. Identifiers: MedGen C2673186, MONDO:0012730, OMIM 611788.
Familial thoracic aortic aneurysm and aortic dissection (TAAD). Also called: Thoracic aortic aneurysms and dissections. Identifiers: Orphanet 91387, MedGen C4707243, MONDO:0019625.

Submissions (2):

Labcorp Genetics (formerly Invitae), Labcorp
Classification: Uncertain significance for Aortic aneurysm, familial thoracic 6. Last evaluated: 2025-10-24. Review status: criteria provided, single submitter. Criteria: Invitae Variant Classification Sherloc (09022015). Collection method: clinical testing. Allele origin: germline.
Comment: This sequence change affects a donor splice site in intron 2 of the ACTA2 gene. It is expected to disrupt RNA splicing. Variants that disrupt the donor or acceptor splice site typically lead to a loss of protein function (PMID: 16199547), however the current clinical and genetic evidence is not sufficient to establish whether loss-of-function variants in ACTA2 cause disease. This variant is not present in population databases (gnomAD no frequency). This variant has not been reported in the literature in individuals affected with ACTA2-related conditions. ClinVar contains an entry for this variant (Variation ID: 3071413). Algorithms developed to predict the effect of sequence changes on RNA splicing suggest that this variant may disrupt the consensus splice site. In summary, the available evidence is currently insufficient to determine the role of this variant in disease. Therefore, it has been classified as a Variant of Uncertain Significance.

All of Us Research Program, National Institutes of Health
Classification: Uncertain significance for Familial thoracic aortic aneurysm and aortic dissection. Last evaluated: 2023-05-31. Review status: criteria provided, single submitter. Criteria: ACMG Guidelines, 2015. Collection method: clinical testing. Allele origin: germline. Inheritance: Autosomal dominant inheritance. Observed: 1 variant allele, 1 heterozygote.
Comment: This study involves interpretation of variants in research participants for the purpose of population health screening. Participant phenotype was not available at the time of variant classification. Additional details can be found in publication PMID: 35346344, PMCID: PMC8962531

Literature cited by the submitters: PubMed 16199547 (cited by Labcorp Genetics (formerly Invitae), Labcorp).